The following is an entry in ClinVar:

NM_172107.4(KCNQ2):c.1324C>T (p.Arg442Cys)

Gene: KCNQ2 (potassium voltage-gated channel subfamily Q member 2; minus strand). Cytogenetic location: 20q13.33.
Variant type: single nucleotide variant.
Coding change: c.1324C>T on transcript NM_172107.4 (MANE Select); coding-DNA position 1324, C replaced by T.
Protein change: p.Arg442Cys; replaces arginine 442 with cysteine.
Molecular consequence: missense variant. On other transcripts: intron variant (1).
Genome position (GRCh38, 1-based): chr20:63,415,104, G>A on the plus strand (C>T on the coding strand, the complement: KCNQ2 is on the minus strand). VCF-style: chr20-63415104-G-A. GRCh37 (hg19) VCF-style: chr20-62046457-G-A.
Other names: c.1240C>T, p.Arg414Cys (NM_004518.6); c.1270C>T, p.Arg424Cys (NM_172106.3); c.1248-14C>T (NM_172108.5); short protein forms R442C, R414C, R424C.
Identifiers: ClinVar variation 461407 (VCV000461407.9), dbSNP rs1354411692, ClinGen allele CA409646846.
Genomic context (GRCh38, chr20:63,415,104, plus strand): 5'-TCTGGGCCTGCGGGGACCCCTTCCCCTTGGCAGCCACGCCTCGGGGGCTGGAGAAGACAC[G>A]ATCTTTCAAACTGACCTTCTGGCTGCTCCCACGGGAACCGACAGACAGACAGAAAAACAG-3'
Protein context (NP_742105.1, residues 432-452): RSSQKVSLKD[Arg442Cys]VFSSPRGVAA

ClinVar aggregate classification (germline): Uncertain significance (1 of 4 stars; one submission).

Conditions:
Early-infantile DEE. Also called: Early infantile epileptic encephalopathy; Ohtahara syndrome; Early infantile epileptic encephalopathy with suppression bursts. Identifiers: Orphanet 1934, MedGen C0393706, MONDO:0800491.

Allele frequency attached by ClinVar (database versions not stated): gnomAD exomes below 0.00001; gnomAD 0.00001.
gnomAD v4.1: 4 of 1,601,408 alleles (0.00025%); highest among the groups gnomAD compares: Non-Finnish European, 0.00034%; no homozygotes.

Submission:

Labcorp Genetics (formerly Invitae), Labcorp
Classification: Uncertain significance for Early-infantile DEE. Last evaluated: 2018-10-20. Review status: criteria provided, single submitter. Criteria: Invitae Variant Classification Sherloc (09022015). Collection method: clinical testing. Allele origin: germline.
Comment: In summary, this variant has uncertain impact on KCNQ2 function. The available evidence is currently insufficient to determine its role in disease. Therefore, it has been classified as a Variant of Uncertain Significance. Algorithms developed to predict the effect of missense changes on protein structure and function do not agree on the potential impact of this missense change (SIFT: "Tolerated"; PolyPhen-2: "Possibly Damaging"; Align-GVGD: "Class C0"). This sequence change replaces arginine with cysteine at codon 442 of the KCNQ2 protein (p.Arg442Cys). The arginine residue is moderately conserved and there is a large physicochemical difference between arginine and cysteine. This variant is not present in population databases (ExAC no frequency). This variant has not been reported in the literature in individuals with a KCNQ2-related disease.